The following is an entry in ClinVar:

NM_000268.4(NF2):c.515G>T (p.Arg172Met)

Gene: NF2 (NF2, moesin-ezrin-radixin like (MERLIN) tumor suppressor; plus strand). Cytogenetic location: 22q12.2.
Variant type: single nucleotide variant.
Coding change: c.515G>T on transcript NM_000268.4 (MANE Select); coding-DNA position 515, G replaced by T.
Protein change: p.Arg172Met; replaces arginine 172 with methionine.
Molecular consequence: missense variant. On other transcripts: non-coding transcript variant (1), intron variant (1).
Genome position (GRCh38, 1-based): chr22:29,654,724, G>T. VCF-style: chr22-29654724-G-T. GRCh37 (hg19) VCF-style: chr22-30050713-G-T.
Other names: c.401G>T, p.Arg134Met (NM_001407053.1, NM_001407056.1); c.392G>T, p.Arg131Met (NM_001407054.1, NM_001407058.1, NM_001407062.1 and 1 more transcripts); c.389G>T, p.Arg130Met (NM_001407055.1, NM_181828.3); c.515G>T, p.Arg172Met (NM_001407057.1, NM_001407059.1, NM_001407060.1 and 4 more transcripts); c.266G>T, p.Arg89Met (NM_001407063.1, NM_001407064.1, NM_181830.3 and 1 more transcripts); c.-126G>T (NM_001407065.1); c.284G>T, p.Arg95Met (NM_001407067.1); c.447+12439G>T (NM_181833.3); short protein forms R89M, R134M, R172M, R130M, R131M, R95M.
Identifiers: ClinVar variation 2201114 (VCV002201114.7), dbSNP rs752963731, ClinGen allele CA411142259.

ClinVar aggregate classification (germline): Uncertain significance. Review status: criteria provided, multiple submitters, no conflicts (2 of 4 stars). 3 submissions from 3 submitters: Uncertain significance (3). Last evaluated 2026-09-06.

Conditions:
Neurofibromatosis, type 2 (SWNV). Also called: BILATERAL ACOUSTIC NEUROFIBROMATOSIS; NF2-Related Schwannomatosis; SCHWANNOMATOSIS, VESTIBULAR. Identifiers: Orphanet 637, MedGen C0027832, MONDO:0007039, OMIM 101000. Disease mechanism: loss of function.
Hereditary cancer-predisposing syndrome. Also called: Neoplastic Syndromes, Hereditary; Tumor predisposition; Hereditary neoplastic syndrome; Hereditary Cancer Syndrome. Identifiers: Orphanet 140162, MedGen C0027672, MeSH D009386, MONDO:0015356.

Submissions (3):

Ambry Genetics
Classification: Uncertain significance for Hereditary cancer-predisposing syndrome. Last evaluated: 2026-09-06. Review status: criteria provided, single submitter. Criteria: Ambry Variant Classification Scheme 2023. Collection method: clinical testing. Allele origin: germline.
Comment: The p.R172M variant (also known as c.515G>T), located in coding exon 5 of the NF2 gene, results from a G to T substitution at nucleotide position 515. The arginine at codon 172 is replaced by methionine, an amino acid with similar properties. This amino acid position is conserved. In addition, this alteration is predicted to be deleterious by in silico analysis. Based on the available evidence, the clinical significance of this variant remains unclear.

All of Us Research Program, National Institutes of Health
Classification: Uncertain significance for Neurofibromatosis, type 2. Last evaluated: 2023-05-16. Review status: criteria provided, single submitter. Criteria: ACMG Guidelines, 2015. Collection method: clinical testing. Allele origin: germline. Inheritance: Autosomal dominant inheritance. Observed: 1 variant allele, 1 heterozygote.
Comment: This missense variant replaces arginine with methionine at codon 172 of the NF2 protein. Computational prediction suggests that this variant may have deleterious impact on protein structure and function (internally defined REVEL score threshold >= 0.7, PMID: 27666373). To our knowledge, functional studies have not been reported for this variant. This variant has not been reported in individuals affected with NF2-related disorders in the literature. This variant has not been identified in the general population by the Genome Aggregation Database (gnomAD). The available evidence is insufficient to determine the role of this variant in disease conclusively. Therefore, this variant is classified as a Variant of Uncertain Significance.

This study involves interpretation of variants in research participants for the purpose of population health screening. Participant phenotype was not available at the time of variant classification. Additional details can be found in publication PMID: 35346344, PMCID: PMC8962531

Labcorp Genetics (formerly Invitae), Labcorp
Classification: Uncertain significance for Neurofibromatosis, type 2. Last evaluated: 2022-05-07. Review status: criteria provided, single submitter. Criteria: Invitae Variant Classification Sherloc (09022015). Collection method: clinical testing. Allele origin: germline.
Comment: In summary, the available evidence is currently insufficient to determine the role of this variant in disease. Therefore, it has been classified as a Variant of Uncertain Significance. Algorithms developed to predict the effect of missense changes on protein structure and function are either unavailable or do not agree on the potential impact of this missense change (SIFT: "Tolerated"; PolyPhen-2: "Probably Damaging"; Align-GVGD: "Class C0"). This variant has not been reported in the literature in individuals affected with NF2-related conditions. This variant is not present in population databases (gnomAD no frequency). This sequence change replaces arginine, which is basic and polar, with methionine, which is neutral and non-polar, at codon 172 of the NF2 protein (p.Arg172Met).